The following is an entry in ClinVar:

NM_001127511.3(APC):c.-13C>G

Gene: APC (APC regulator of Wnt signaling pathway; plus strand). Cytogenetic location: 5q22.2.
Variant type: single nucleotide variant.
Coding change: c.-13C>G on transcript NM_001127511.3; 13 bases upstream of the start codon, C replaced by G.
Molecular consequence: 5 prime UTR variant. On other transcripts: non-coding transcript variant (1), intron variant (5).
Genome position (GRCh38, 1-based): chr5:112,707,705, C>G. VCF-style: chr5-112707705-C-G. GRCh37 (hg19) VCF-style: chr5-112043402-C-G.
Other names: c.-196C>G (NM_001354895.2, NM_001407447.1, NM_001407452.1 and 3 more transcripts); c.-13C>G (NM_001354897.2, NM_001354902.2, NM_001407446.1); c.-1231C>G (NM_001407470.1, NM_001407472.1); c.-19+56C>G (NM_001407448.1, NM_001407450.1, NM_001407457.1 and 1 more transcripts); c.-43+56C>G (NM_001407453.1).
Identifiers: ClinVar variation 1036910 (VCV001036910.9), dbSNP rs1257473862, ClinGen allele CA561890270.

ClinVar aggregate classification (germline): Uncertain significance (1 of 4 stars; one submission).

Conditions:
Familial adenomatous polyposis 1 (FAP1). Also called: FAMILIAL ADENOMATOUS POLYPOSIS 1, ATTENUATED; POLYPOSIS, ADENOMATOUS INTESTINAL. Identifiers: MedGen C2713442, MONDO:0021056, OMIM 175100. Disease mechanism: loss of function.

Allele frequency attached by ClinVar (database versions not stated): gnomAD exomes 0.00001.
gnomAD v4.1: 2 of 1,370,638 alleles (0.00015%); highest among the groups gnomAD compares: East Asian, 0.0068%; no homozygotes.

Submission:

Labcorp Genetics (formerly Invitae), Labcorp
Classification: Uncertain significance for Familial adenomatous polyposis 1. Last evaluated: 2025-12-30. Review status: criteria provided, single submitter. Criteria: Invitae Variant Classification Sherloc (09022015). Collection method: clinical testing. Allele origin: germline.
Comment: This variant occurs in a non-coding region of the APC gene. It does not change the encoded amino acid sequence of the APC protein. This variant is present in population databases (no rsID available, gnomAD 0.02%). This variant has not been reported in the literature in individuals affected with APC-related conditions. Experimental studies and prediction algorithms are not available or were not evaluated, and the functional significance of this variant is currently unknown. In summary, the available evidence is currently insufficient to determine the role of this variant in disease. Therefore, it has been classified as a Variant of Uncertain Significance.